The following is an entry in ClinVar:

NM_001903.5(CTNNA1):c.1789G>T (p.Ala597Ser)

Gene: CTNNA1 (catenin alpha 1; plus strand). Cytogenetic location: 5q31.2.
Variant type: single nucleotide variant.
Coding change: c.1789G>T on transcript NM_001903.5 (MANE Select); coding-DNA position 1789, G replaced by T.
Protein change: p.Ala597Ser; replaces alanine 597 with serine.
Molecular consequence: missense variant.
Genome position (GRCh38, 1-based): chr5:138,925,297, G>T. VCF-style: chr5-138925297-G-T. GRCh37 (hg19) VCF-style: chr5-138260986-G-T.
Other names: c.1789G>T, p.Ala597Ser (NM_001290307.3, NM_001323982.2, NM_001323983.1 and 2 more transcripts); c.1480G>T, p.Ala494Ser (NM_001290309.3); c.1420G>T, p.Ala474Ser (NM_001290310.3); c.679G>T, p.Ala227Ser (NM_001290312.1, NM_001323987.1, NM_001323988.1 and 17 more transcripts); c.1696G>T, p.Ala566Ser (NM_001323986.2); c.340G>T, p.Ala114Ser (NM_001324006.1, NM_001324007.1, NM_001324008.1 and 2 more transcripts); c.586G>T, p.Ala196Ser (NM_001324011.1); c.436G>T, p.Ala146Ser (NM_001324012.1, NM_001324013.1); short protein forms A196S, A474S, A146S, A227S, A494S, A566S, A597S, A114S.
Identifiers: ClinVar variation 1347069 (VCV001347069.8), dbSNP rs2150294668, ClinGen allele CA361132210.

ClinVar aggregate classification (germline): Uncertain significance (1 of 4 stars; one submission).

Submission:

Labcorp Genetics (formerly Invitae), Labcorp
Classification: Uncertain significance. Last evaluated: 2025-07-18. Review status: criteria provided, single submitter. Criteria: Invitae Variant Classification Sherloc (09022015). Collection method: clinical testing. Allele origin: germline.
Comment: This sequence change replaces alanine, which is neutral and non-polar, with serine, which is neutral and polar, at codon 597 of the CTNNA1 protein (p.Ala597Ser). This variant is not present in population databases (gnomAD no frequency). This variant has not been reported in the literature in individuals affected with CTNNA1-related conditions. ClinVar contains an entry for this variant (Variation ID: 1347069). Invitae Evidence Modeling of protein sequence and biophysical properties (such as structural, functional, and spatial information, amino acid conservation, physicochemical variation, residue mobility, and thermodynamic stability) indicates that this missense variant is not expected to disrupt CTNNA1 protein function with a negative predictive value of 80%. In summary, the available evidence is currently insufficient to determine the role of this variant in disease. Therefore, it has been classified as a Variant of Uncertain Significance.